The following is an entry in ClinVar:

ClinVar aggregate classification (germline): Uncertain significance (1 of 4 stars; one submission).

Submission:

Labcorp Genetics (formerly Invitae), Labcorp
Classification: Uncertain significance. Last evaluated: 2021-05-31. Review status: criteria provided, single submitter. Criteria: Invitae Variant Classification Sherloc (09022015). Collection method: clinical testing. Allele origin: germline.
Comment: Algorithms developed to predict the effect of missense changes on protein structure and function are either unavailable or do not agree on the potential impact of this missense change (SIFT: "Deleterious"; PolyPhen-2: "Benign"; Align-GVGD: "Class C0"). This variant has not been reported in the literature in individuals with PPCS-related conditions. This variant is not present in population databases (ExAC no frequency). This sequence change replaces leucine with methionine at codon 118 of the PPCS protein (p.Leu118Met). The leucine residue is weakly conserved and there is a small physicochemical difference between leucine and methionine. In summary, the available evidence is currently insufficient to determine the role of this variant in disease. Therefore, it has been classified as a Variant of Uncertain Significance.

NM_024664.4(PPCS):c.352C>A (p.Leu118Met)

Genes: PPCS (phosphopantothenoylcysteine synthetase; plus strand), CCDC30 (coiled-coil domain containing 30; plus strand). Cytogenetic location: 1p34.2.
Variant type: single nucleotide variant.
Coding change: c.352C>A on transcript NM_024664.4 (MANE Select); coding-DNA position 352, C replaced by A.
Protein change: p.Leu118Met; replaces leucine 118 with methionine.
Molecular consequence: missense variant. On other transcripts: 5 prime UTR variant (1), intron variant (6).
Genome position (GRCh38, 1-based): chr1:42,456,917, C>A. VCF-style: chr1-42456917-C-A. GRCh37 (hg19) VCF-style: chr1-42922588-C-A.
Other names: c.-341C>A (NM_001287510.2); c.352C>A, p.Leu118Met (NM_001287511.2); c.-983-330C>A (NM_001355226.2); c.-327-330C>A (NM_001287507.1); c.-11-330C>A (NM_001287506.1, NM_001287509.2); c.-12+193C>A (NM_001287508.2); c.-12+289C>A (NM_001077447.3); short protein forms L118M.
Identifiers: ClinVar variation 1517081 (VCV001517081.8), dbSNP rs768798712, ClinGen allele CA339945450.
Genomic context (GRCh38, chr1:42,456,917, plus strand): 5'-CCCCAGACTTGGCTGTCCGCTCTGCGGCCTTCGGGCCCAGCCCTTTCGGGCTTGCTGAGC[C>A]TGGAGGCCGAGGAGAATGCACTTCCGGGTTTTGCTGAGGCTCTGAGGAGCTACCAGGAGG-3'
Protein context (NP_078940.2, residues 108-128): SGPALSGLLS[Leu118Met]EAEENALPGF